The following is an entry in ClinVar:

NM_000051.4(ATM):c.6842A>G (p.Tyr2281Cys)

Genes: ATM (ATM serine/threonine kinase; plus strand), C11orf65 (chromosome 11 open reading frame 65; minus strand). Cytogenetic location: 11q22.3.
Variant type: single nucleotide variant.
Coding change: c.6842A>G on transcript NM_000051.4 (MANE Select); coding-DNA position 6842, A replaced by G.
Protein change: p.Tyr2281Cys; replaces tyrosine 2281 with cysteine.
Molecular consequence: missense variant. On other transcripts: intron variant (2).
Genome position (GRCh38, 1-based): chr11:108,326,092, A>G. VCF-style: chr11-108326092-A-G. GRCh37 (hg19) VCF-style: chr11-108196819-A-G.
Other names: c.*38+9128T>C (NM_001351110.2); c.6842A>G, p.Tyr2281Cys (NM_001351834.2); c.641-17021T>C (NM_001330368.2); short protein forms Y2281C.
Identifiers: ClinVar variation 1389450 (VCV001389450.7), dbSNP rs2136332870, ClinGen allele CA382556648.

ClinVar aggregate classification (germline): Uncertain significance (1 of 4 stars; one submission).

Conditions:
Ataxia-telangiectasia syndrome (AT). Also called: Ataxia-telangiectasia; LOUIS-BAR SYNDROME; Ataxia-telangiectasia, complementation group D; AT, COMPLEMENTATION GROUP C; ATAXIA-TELANGIECTASIA, COMPLEMENTATION GROUP A; ATAXIA-TELANGIECTASIA, FRESNO VARIANT. Identifiers: Orphanet 100, MedGen C0004135, MONDO:0008840, OMIM 208900.

gnomAD v4.1: 1 of 1,614,180 alleles (0.000062%); no homozygotes.

Submission:

Labcorp Genetics (formerly Invitae), Labcorp
Classification: Uncertain significance for Ataxia-telangiectasia syndrome. Last evaluated: 2021-10-25. Review status: criteria provided, single submitter. Criteria: Invitae Variant Classification Sherloc (09022015). Collection method: clinical testing. Allele origin: germline.
Comment: Advanced modeling of protein sequence and biophysical properties (such as structural, functional, and spatial information, amino acid conservation, physicochemical variation, residue mobility, and thermodynamic stability) performed at Invitae indicates that this missense variant is not expected to disrupt ATM protein function. In summary, the available evidence is currently insufficient to determine the role of this variant in disease. Therefore, it has been classified as a Variant of Uncertain Significance. This variant has not been reported in the literature in individuals affected with ATM-related conditions. This variant is not present in population databases (ExAC no frequency). This sequence change replaces tyrosine with cysteine at codon 2281 of the ATM protein (p.Tyr2281Cys). The tyrosine residue is moderately conserved and there is a large physicochemical difference between tyrosine and cysteine.